The following is an entry in ClinVar:

ClinVar aggregate classification (germline): Uncertain significance. Review status: criteria provided, multiple submitters, no conflicts (2 of 4 stars). 3 submissions from 3 submitters: Uncertain significance (2). 1 of the submissions does not count toward it. Last evaluated 2018-03-02.

Conditions:
Seizures, benign familial neonatal, 2. Also called: Benign Neonatal Epilepsy 2; CONVULSIONS, BENIGN FAMILIAL NEONATAL, 2; KCNQ3-Related Benign Familial Neonatal Epilepsy; KCNQ3-Related Self-Limited Familial Neonatal Epilepsy (SLFNE); Seizures, benign neonatal, 2. Identifiers: Orphanet 1949, MedGen C1852581, MONDO:0007366, OMIM 121201.
KCNQ3-related disorder. Also called: KCNQ3-related condition; KCNQ3-Related Disorders. Identifiers: MedGen CN381530.

Submissions (3):

Illumina Laboratory Services, Illumina
Classification: Uncertain significance for Seizures, benign familial neonatal, 2. Last evaluated: 2018-03-02. Review status: criteria provided, single submitter. Criteria: ICSL Variant Classification Criteria 13 December 2019. Collection method: clinical testing. Allele origin: germline.

Breakthrough Genomics
Classification: Uncertain significance. Review status: criteria provided, single submitter. Criteria: ACMG Guidelines, 2015. Collection method: not provided. Allele origin: germline. Inheritance: Autosomal recessive inheritance. Affected: yes.

PreventionGenetics, part of Exact Sciences
Classification: Likely benign for KCNQ3-related condition. Last evaluated: 2021-12-28. Review status: no assertion criteria provided. Collection method: clinical testing. Allele origin: germline. Not counted in ClinVar's aggregate classification.
Comment: This variant is classified as likely benign based on ACMG/AMP sequence variant interpretation guidelines (Richards et al. 2015 PMID: 25741868, with internal and published modifications).

NM_004519.4(KCNQ3):c.-133A>G

Gene: KCNQ3 (potassium voltage-gated channel subfamily Q member 3; minus strand). Cytogenetic location: 8q24.22.
Variant type: single nucleotide variant.
Coding change: c.-133A>G on transcript NM_004519.4 (MANE Select); 133 bases upstream of the start codon, A replaced by G.
Molecular consequence: 5 prime UTR variant.
Genome position (GRCh38, 1-based): chr8:132,480,665, T>C on the plus strand (A>G on the coding strand, the complement: KCNQ3 is on the minus strand). VCF-style: chr8-132480665-T-C. GRCh37 (hg19) VCF-style: chr8-133492912-T-C.
Identifiers: ClinVar variation 911877 (VCV000911877.7), dbSNP rs1419807487, ClinGen allele CA585250583.